The following is an entry in ClinVar:

NM_000834.5(GRIN2B):c.679A>G (p.Ile227Val)

Gene: GRIN2B (glutamate ionotropic receptor NMDA type subunit 2B; minus strand). Cytogenetic location: 12p13.1.
Variant type: single nucleotide variant.
Coding change: c.679A>G on transcript NM_000834.5 (MANE Select); coding-DNA position 679, A replaced by G.
Protein change: p.Ile227Val; replaces isoleucine 227 with valine.
Molecular consequence: missense variant.
Genome position (GRCh38, 1-based): chr12:13,753,648, T>C on the plus strand (A>G on the coding strand, the complement: GRIN2B is on the minus strand). VCF-style: chr12-13753648-T-C. GRCh37 (hg19) VCF-style: chr12-13906582-T-C.
Other names: short protein forms I227V.
Identifiers: ClinVar variation 429966 (VCV000429966.13), dbSNP rs201672517, ClinGen allele CA233115920.

ClinVar aggregate classification (germline): Conflicting classifications of pathogenicity. Review status: criteria provided, conflicting classifications (1 of 4 stars). 2 submissions from 2 submitters: Uncertain significance (1); Benign (1). Last evaluated 2024-12-02.

Conditions:
Intellectual developmental disorder, autosomal dominant 6, with or without seizures. Also called: GRIN2B-related developmental delay, intellectual disability and autism spectrum disorder; Intellectual disability, autosomal dominant 6. Identifiers: Orphanet 589547, MedGen C3151411, MONDO:0013509, OMIM 613970.
Developmental and epileptic encephalopathy, 27 (DEE27). Also called: Epileptic encephalopathy, early infantile, 27; GRIN2B-Related Neurodevelopmental Disorder. Identifiers: Orphanet 3451, MedGen C4015316, MONDO:0014505, OMIM 616139.

Allele frequency attached by ClinVar (database versions not stated): gnomAD 0.00001; gnomAD exomes 0.00003 and 0.00001; TOPMed 0.00002.
gnomAD v4.1: 18 of 1,614,078 alleles (0.0011%); highest among the groups gnomAD compares: Admixed American, 0.017%; no homozygotes.

Submissions (2):

Labcorp Genetics (formerly Invitae), Labcorp
Classification: Benign for Developmental and epileptic encephalopathy, 27; Intellectual developmental disorder, autosomal dominant 6, with or without seizures. Last evaluated: 2024-12-02. Review status: criteria provided, single submitter. Criteria: Invitae Variant Classification Sherloc (09022015). Collection method: clinical testing. Allele origin: germline.

GeneDx
Classification: Uncertain significance. Last evaluated: 2017-05-12. Review status: criteria provided, single submitter. Criteria: GeneDx Variant Classification (06012015). Collection method: clinical testing. Allele origin: germline. Affected: yes.
Comment: The I227V variant has not been published as a pathogenic variant, nor has it been reported as a benign variant to our knowledge. The I227V variant is not observed in large population cohorts (Lek et al., 2016; 1000 Genomes Consortium et al., 2015; Exome Variant Server). This variant is a conservative amino acid substitution, which is not likely to impact secondary protein structure as these residues share similar properties. This substitution occurs at a position where amino acids with similar properties to Isoleucine are tolerated across species. In silico analysis is inconsistent in its predictions as to whether or not the variant is damaging to the protein structure/function.